The following is an entry in ClinVar:

NM_001165963.4(SCN1A):c.5243del (p.Pro1748fs)

Genes: SCN1A (sodium voltage-gated channel alpha subunit 1; minus strand), LOC102724058 (uncharacterized LOC102724058; plus strand). Cytogenetic location: 2q24.3.
Variant type: Deletion.
Coding change: c.5243del on transcript NM_001165963.4 (MANE Select); coding-DNA position 5243, one base deleted (C; older notation c.5243delC).
Protein change: p.Pro1748fs; shifts the reading frame from proline 1748.
Molecular consequence: frameshift variant. On other transcripts: non-coding transcript variant (1).
Genome position (GRCh38, 1-based): chr2:165,992,032, G deleted on the plus strand (C on the coding strand, the reverse complement: SCN1A is on the minus strand); the first of 3 consecutive G bases (chr2:165,992,032-165,992,034); deleting any one gives the same sequence. VCF-style (leftmost placement, unchanged base first): chr2-165992031-AG-A. GRCh37 (hg19) VCF-style: chr2-166848541-AG-A.
Other names: c.5159del, p.Pro1720fs (NM_001165964.3, NM_001353957.2, NM_001353958.2); c.5243del, p.Pro1748fs (NM_001202435.3, NM_001353948.2); c.5210del, p.Pro1737fs (NM_001353949.2, NM_001353950.2, NM_001353951.2 and 2 more transcripts); c.5207del, p.Pro1736fs (NM_001353954.2, NM_001353955.2); c.5156del, p.Pro1719fs (NM_001353960.2); c.2801del, p.Pro934fs (NM_001353961.2); short protein forms P1719fs, P1720fs, P1736fs, P1737fs, P1748fs, P934fs.
Identifiers: ClinVar variation 3775523 (VCV003775523.1).

ClinVar aggregate classification (germline): Likely pathogenic (1 of 4 stars; one submission).

Conditions:
Severe myoclonic epilepsy in infancy (DRVT). Also called: Dravet syndrome; Epileptic encephalopathy, early infantile, 6 (Dravet syndrome); SEVERE MYOCLONIC EPILEPSY OF INFANCY; DEVELOPMENTAL AND EPILEPTIC ENCEPHALOPATHY 6A; Severe Myoclonic Epilepsy in Infancy (SMEI). Identifiers: Orphanet 33069, MedGen C0751122, MONDO:0100135, OMIM 607208.

Submission:

3billion
Classification: Likely pathogenic for Severe myoclonic epilepsy in infancy. Last evaluated: 2024-02-22. Review status: criteria provided, single submitter. Criteria: ACMG Guidelines, 2015. Collection method: clinical testing. Allele origin: germline. Affected: yes.
Comment: The variant is not observed in the gnomAD v2.1.1 dataset. Predicted Consequence/Location: Frameshift: predicted to result in a loss or disruption of normal protein function through protein truncation. Multiple pathogenic variants are reported in the predicted truncated region. Therefore, this variant is classified as Likely pathogenic according to the recommendation of ACMG/AMP guideline.